The following is an entry in ClinVar:

NM_001134363.3(RBM20):c.2416G>A (p.Gly806Arg)

Gene: RBM20 (RNA binding motif protein 20; plus strand). Cytogenetic location: 10q25.2.
Variant type: single nucleotide variant.
Coding change: c.2416G>A on transcript NM_001134363.3 (MANE Select); coding-DNA position 2416, G replaced by A.
Protein change: p.Gly806Arg; replaces glycine 806 with arginine.
Molecular consequence: missense variant.
Genome position (GRCh38, 1-based): chr10:110,812,813, G>A. VCF-style: chr10-110812813-G-A. GRCh37 (hg19) VCF-style: chr10-112572571-G-A.
Other names: short protein forms G806R.
Identifiers: ClinVar variation 1790944 (VCV001790944.7), dbSNP rs756078257, ClinGen allele CA5688690.
Genomic context (GRCh38, chr10:110,812,813, plus strand): 5'-GACGAGGCCAGGCTGCGGGAAAGCAGACACCCCCATCCGGATGACTCAGGCAAGGAAGAT[G>A]GGCTGGGGCCAAAGGTCACTAGGGCCCCTGAGGGCGCCAAGGCCAAGCAGAATGAGAAAA-3'
Protein context (NP_001127835.2, residues 796-816): PHPDDSGKED[Gly806Arg]LGPKVTRAPE

ClinVar aggregate classification (germline): Conflicting classifications of pathogenicity. Review status: criteria provided, conflicting classifications (1 of 4 stars). 2 submissions from 2 submitters: Uncertain significance (1); Likely benign (1). Last evaluated 2024-10-30.

Conditions:
Dilated cardiomyopathy 1DD (CMD1DD). Identifiers: Orphanet 154, MedGen C2750995, MONDO:0013168, OMIM 613172.
Cardiovascular phenotype. Identifiers: MedGen CN230736.

Allele frequency attached by ClinVar (database versions not stated): TOPMed below 0.00001; gnomAD 0.00001; gnomAD exomes 0.00002; ExAC 0.00005.
gnomAD v4.1: 31 of 1,549,904 alleles (0.002%); highest among the groups gnomAD compares: Non-Finnish European, 0.0027%; no homozygotes.

Submissions (2):

Labcorp Genetics (formerly Invitae), Labcorp
Classification: Likely benign for Dilated cardiomyopathy 1DD. Last evaluated: 2024-10-30. Review status: criteria provided, single submitter. Criteria: Invitae Variant Classification Sherloc (09022015). Collection method: clinical testing. Allele origin: germline.

Ambry Genetics
Classification: Uncertain significance for Cardiovascular phenotype. Last evaluated: 2022-02-14. Review status: criteria provided, single submitter. Criteria: Ambry Variant Classification Scheme 2023. Collection method: clinical testing. Allele origin: germline.
Comment: The p.G806R variant (also known as c.2416G>A), located in coding exon 9 of the RBM20 gene, results from a G to A substitution at nucleotide position 2416. The glycine at codon 806 is replaced by arginine, an amino acid with dissimilar properties. This amino acid position is conserved. In addition, this alteration is predicted to be tolerated by in silico analysis. Since supporting evidence is limited at this time, the clinical significance of this alteration remains unclear.